The following is an entry in ClinVar:

NM_004838.4(HOMER3):c.434G>A (p.Ser145Asn)

Gene: HOMER3 (homer scaffold protein 3; minus strand). Cytogenetic location: 19p13.11.
Variant type: single nucleotide variant.
Coding change: c.434G>A on transcript NM_004838.4 (MANE Select); coding-DNA position 434, G replaced by A.
Protein change: p.Ser145Asn; replaces serine 145 with asparagine.
Molecular consequence: missense variant. On other transcripts: non-coding transcript variant (1).
Genome position (GRCh38, 1-based): chr19:18,933,023, C>T on the plus strand (G>A on the coding strand, the complement: HOMER3 is on the minus strand). VCF-style: chr19-18933023-C-T. GRCh37 (hg19) VCF-style: chr19-19043832-C-T.
Other names: c.434G>A, p.Ser145Asn (NM_001145721.1, NM_001145722.2); c.326G>A, p.Ser109Asn (NM_001145724.2); short protein forms S145N, S109N.
Identifiers: ClinVar variation 2445979 (VCV002445979.3), dbSNP rs2513132510, ClinGen allele CA404879388.

ClinVar aggregate classification (germline): Uncertain significance (0 of 4 stars; one submission).

Conditions:
Keratoconus 5. Also called: KTCN5. Identifiers: MedGen C3553302, MONDO:0013830, OMIM 614622.

Allele frequency attached by ClinVar (database versions not stated): gnomAD exomes below 0.00001.
gnomAD v4.1: 1 of 1,490,522 alleles (0.000067%); highest among the groups gnomAD compares: East Asian, 0.0027%; no homozygotes.

Submission:

Refractive Surgery Department, Bright Eye Hospital
Classification: Uncertain significance for Keratoconus 5. Last evaluated: 2024-05-16. Review status: no assertion criteria provided. Collection method: clinical testing. Allele origin: inherited. Affected: yes. Observed: 2 variant alleles, 2 heterozygotes.
Comment: HOMER is a scaffolding protein and has been largely investigated in the nervous system. This protein has several splice variants and three subtypes (HOMER1, HOMER2, and HOMER3).8 The function and role of HOMER in corneal disease have also been studied. In 2021, Català et al.9 identified the expression of HOMER3 in the corneal epithelium and the limbus. The HOMER family plays an important role in cell function. HOMER3 is such a cytosolic adaptor to involve in the regulation of G protein-coupled receptors.10 The imbalance of the HOMER involved activities is closely related to the development of KC.11-13 In this study, a heterozygous HOMER3 mutation g.19043832C>T (c.434G>A) was detected in family 1, which is located in exon 6, causing a p.G235R amino acid change, and is predicted as highly conserved among species and probably damaging using online software. To date, it is the first time to detect a HOMER3 mutation in a KC family.